The following is an entry in ClinVar:

NM_001377458.1(CLCC1):c.1600G>C (p.Ala534Pro)

Gene: CLCC1 (chloride channel CLIC like 1; minus strand). Cytogenetic location: 1p13.3.
Variant type: single nucleotide variant.
Coding change: c.1600G>C on transcript NM_001377458.1 (MANE Select); coding-DNA position 1600, G replaced by C.
Protein change: p.Ala534Pro; replaces alanine 534 with proline.
Molecular consequence: missense variant. On other transcripts: non-coding transcript variant (1).
Genome position (GRCh38, 1-based): chr1:108,934,726, C>G on the plus strand (G>C on the coding strand, the complement: CLCC1 is on the minus strand). VCF-style: chr1-108934726-C-G. GRCh37 (hg19) VCF-style: chr1-109477348-C-G.
Other names: c.1600G>C, p.Ala534Pro (NM_001048210.3, NM_001377459.1, NM_001377460.1 and 8 more transcripts); c.1237G>C, p.Ala413Pro (NM_001278202.2); c.1045G>C, p.Ala349Pro (NM_001278203.1); c.1498G>C, p.Ala500Pro (NM_001377469.1); c.1309G>C, p.Ala437Pro (NM_001377470.1); c.1450G>C, p.Ala484Pro (NM_015127.5); short protein forms A534P, A349P, A500P, A437P, A413P, A484P.
Identifiers: ClinVar variation 1474744 (VCV001474744.7), dbSNP rs148212619, ClinGen allele CA341455314.

ClinVar aggregate classification (germline): Uncertain significance (1 of 4 stars; one submission).

Submission:

Labcorp Genetics (formerly Invitae), Labcorp
Classification: Uncertain significance. Last evaluated: 2024-10-26. Review status: criteria provided, single submitter. Criteria: Invitae Variant Classification Sherloc (09022015). Collection method: clinical testing. Allele origin: germline.
Comment: This sequence change replaces alanine, which is neutral and non-polar, with proline, which is neutral and non-polar, at codon 534 of the CLCC1 protein (p.Ala534Pro). This variant is not present in population databases (gnomAD no frequency). This variant has not been reported in the literature in individuals affected with CLCC1-related conditions. ClinVar contains an entry for this variant (Variation ID: 1474744). An algorithm developed to predict the effect of missense changes on protein structure and function (PolyPhen-2) suggests that this variant is likely to be disruptive. In summary, the available evidence is currently insufficient to determine the role of this variant in disease. Therefore, it has been classified as a Variant of Uncertain Significance.